The following is an entry in ClinVar:

ClinVar aggregate classification (germline): Uncertain significance. Review status: criteria provided, multiple submitters, no conflicts (2 of 4 stars). 3 submissions from 3 submitters: Uncertain significance (3). Last evaluated 2023-12-19.

Conditions:
Connective tissue disorder. Also called: Connective tissue disease. Identifiers: MedGen C0009782, MONDO:0003900.

Allele frequency attached by ClinVar (database versions not stated): gnomAD exomes below 0.00001 and 0.00004; gnomAD 0.00001.
gnomAD v4.1: 35 of 1,599,894 alleles (0.0022%); highest among the groups gnomAD compares: Non-Finnish European, 0.003%; no homozygotes.

Submissions (3):

Labcorp Genetics (formerly Invitae), Labcorp
Classification: Uncertain significance. Last evaluated: 2023-12-19. Review status: criteria provided, single submitter. Criteria: Invitae Variant Classification Sherloc (09022015). Collection method: clinical testing. Allele origin: germline.
Comment: This sequence change replaces isoleucine, which is neutral and non-polar, with asparagine, which is neutral and polar, at codon 303 of the LBR protein (p.Ile303Asn). This variant is present in population databases (no rsID available, gnomAD 0.0009%). This variant has not been reported in the literature in individuals affected with LBR-related conditions. ClinVar contains an entry for this variant (Variation ID: 1702451). Advanced modeling of protein sequence and biophysical properties (such as structural, functional, and spatial information, amino acid conservation, physicochemical variation, residue mobility, and thermodynamic stability) performed at Invitae indicates that this missense variant is not expected to disrupt LBR protein function with a negative predictive value of 80%. In summary, the available evidence is currently insufficient to determine the role of this variant in disease. Therefore, it has been classified as a Variant of Uncertain Significance.

Blueprint Genetics
Classification: Uncertain significance. Last evaluated: 2020-02-26. Review status: criteria provided, single submitter. Criteria: ACMG Guidelines, 2015. Collection method: clinical testing. Allele origin: germline.

Genome Diagnostics Laboratory, The Hospital for Sick Children
Classification: Uncertain significance for Connective tissue disorder. Last evaluated: 2019-02-01. Review status: criteria provided, single submitter. Criteria: ACMG Guidelines, 2015. Collection method: clinical testing. Allele origin: germline.

NM_002296.4(LBR):c.908T>A (p.Ile303Asn)

Gene: LBR (lamin B receptor; minus strand). Cytogenetic location: 1q42.12.
Variant type: single nucleotide variant.
Coding change: c.908T>A on transcript NM_002296.4 (MANE Select); coding-DNA position 908, T replaced by A.
Protein change: p.Ile303Asn; replaces isoleucine 303 with asparagine.
Molecular consequence: missense variant.
Genome position (GRCh38, 1-based): chr1:225,412,630, A>T on the plus strand (T>A on the coding strand, the complement: LBR is on the minus strand). VCF-style: chr1-225412630-A-T. GRCh37 (hg19) VCF-style: chr1-225600332-A-T.
Other names: c.908T>A, p.Ile303Asn (NM_194442.3); short protein forms I303N.
Identifiers: ClinVar variation 1702451 (VCV001702451.7), dbSNP rs1165682529, ClinGen allele CA344997702.
Genomic context (GRCh38, chr1:225,412,630, plus strand): 5'-TACACGTAATGAAACTCTACGCCCTGGAAGAGAGATGTTCCGATGACTGCAGATGTCAGG[A>T]TAAAAGCATAGAATCCTTTAAAAAAAAAAAAAAAAGGAAGTGGAAAATTAATATTAACCC-3'
Protein context (NP_002287.2, residues 293-313): KYRLNGFYAF[Ile303Asn]LTSAVIGTSL